The following is an entry in ClinVar:

ClinVar aggregate classification (germline): Uncertain significance (1 of 4 stars; one submission).

Conditions:
Fanconi anemia (FA). Also called: Fanconi's anemia. Identifiers: Orphanet 84, MedGen C0015625, MeSH D005199, MONDO:0019391.

Submission:

Labcorp Genetics (formerly Invitae), Labcorp
Classification: Uncertain significance for Fanconi anemia. Last evaluated: 2025-11-11. Review status: criteria provided, single submitter. Criteria: Invitae Variant Classification Sherloc (09022015). Collection method: clinical testing. Allele origin: germline.
Comment: This sequence change replaces proline, which is neutral and non-polar, with serine, which is neutral and polar, at codon 151 of the SLX4 protein (p.Pro151Ser). This variant is not present in population databases (gnomAD no frequency). This variant has not been reported in the literature in individuals affected with SLX4-related conditions. An algorithm developed to predict the effect of missense changes on protein structure and function (PolyPhen-2) suggests that this variant is likely to be tolerated. In summary, the available evidence is currently insufficient to determine the role of this variant in disease. Therefore, it has been classified as a Variant of Uncertain Significance.

NM_032444.4(SLX4):c.451C>T (p.Pro151Ser)

Gene: SLX4 (SLX4 structure-specific endonuclease subunit; minus strand). Cytogenetic location: 16p13.3.
Variant type: single nucleotide variant.
Coding change: c.451C>T on transcript NM_032444.4 (MANE Select); coding-DNA position 451, C replaced by T.
Protein change: p.Pro151Ser; replaces proline 151 with serine.
Molecular consequence: missense variant.
Genome position (GRCh38, 1-based): chr16:3,608,514, G>A on the plus strand (C>T on the coding strand, the complement: SLX4 is on the minus strand). VCF-style: chr16-3608514-G-A. GRCh37 (hg19) VCF-style: chr16-3658515-G-A.
Other names: short protein forms P151S.
Identifiers: ClinVar variation 4808657 (VCV004808657.1).